The following is an entry in ClinVar:

NM_000343.4(SLC5A1):c.*1804T>C

Gene: SLC5A1 (solute carrier family 5 member 1; plus strand). Cytogenetic location: 22q12.3.
Variant type: single nucleotide variant.
Coding change: c.*1804T>C on transcript NM_000343.4 (MANE Select); 1804 bases downstream of the stop codon, T replaced by C.
Molecular consequence: 3 prime UTR variant.
Genome position (GRCh38, 1-based): chr22:32,112,017, T>C. VCF-style: chr22-32112017-T-C. GRCh37 (hg19) VCF-style: chr22-32508004-T-C.
Other names: c.*1804T>C (NM_001256314.2).
Identifiers: ClinVar variation 341292 (VCV000341292.6), dbSNP rs17683807, ClinGen allele CA10654043.

ClinVar aggregate classification (germline): Benign. Review status: criteria provided, multiple submitters, no conflicts (2 of 4 stars). 2 submissions from 2 submitters: Benign (2). Last evaluated 2018-01-12.

Conditions:
Congenital glucose-galactose malabsorption (GGM). Also called: MONOSACCHARIDE MALABSORPTION; DIARRHEA 16. Identifiers: Orphanet 35710, MedGen C0268186, MONDO:0011731, OMIM 606824.

Allele frequency attached by ClinVar (database versions not stated): 1000 Genomes Project 0.17492; 1000 Genomes Project 30x 0.17630; TOPMed 0.21198; gnomAD 0.21912 and 0.22133.

Submissions (2):

Illumina Laboratory Services, Illumina
Classification: Benign for Congenital glucose-galactose malabsorption. Last evaluated: 2018-01-12. Review status: criteria provided, single submitter. Criteria: ICSL Variant Classification Criteria 13 December 2019. Collection method: clinical testing. Allele origin: germline.
Comment: This variant was observed in the ICSL laboratory as part of a predisposition screen in an ostensibly healthy population. It had not been previously curated by ICSL or reported in the Human Gene Mutation Database (HGMD: prior to June 1st, 2018), and was therefore a candidate for classification through an automated scoring system. Utilizing variant allele frequency, disease prevalence and penetrance estimates, and inheritance mode, an automated score was calculated to assess if this variant is too frequent to cause the disease. Based on the score and internal cut-off values, a variant classified as benign is not then subjected to further curation. The score for this variant resulted in a classification of benign for this disease.

Breakthrough Genomics
Classification: Benign. Review status: criteria provided, single submitter. Criteria: ACMG Guidelines, 2015. Collection method: not provided. Allele origin: germline. Inheritance: Autosomal recessive inheritance. Affected: yes.